The following is an entry in ClinVar:

NM_000098.3(CPT2):c.821A>G (p.Lys274Arg)

Gene: CPT2 (carnitine palmitoyltransferase 2; plus strand). Cytogenetic location: 1p32.3.
Variant type: single nucleotide variant.
Coding change: c.821A>G on transcript NM_000098.3 (MANE Select); coding-DNA position 821, A replaced by G.
Protein change: p.Lys274Arg; replaces lysine 274 with arginine.
Molecular consequence: missense variant.
Genome position (GRCh38, 1-based): chr1:53,210,495, A>G. VCF-style: chr1-53210495-A-G. GRCh37 (hg19) VCF-style: chr1-53676167-A-G.
Other names: p.Lys274Arg; c.821A>G, p.Lys274Arg (NM_001330589.2); short protein forms K274R.
Identifiers: ClinVar variation 1974278 (VCV001974278.3), dbSNP rs758064377, ClinGen allele CA22638478.

ClinVar aggregate classification (germline): Uncertain significance. Review status: criteria provided, multiple submitters, no conflicts (2 of 4 stars). 2 submissions from 2 submitters: Uncertain significance (2). Last evaluated 2025-06-01.

Conditions:
Carnitine palmitoyltransferase II deficiency. Also called: Carnitine Palmitoyltransferase 2 Deficiency. Identifiers: Orphanet 157, MedGen C0342790, MONDO:0015515.

Allele frequency attached by ClinVar (database versions not stated): gnomAD 0.00001; TOPMed 0.00002.
gnomAD v4.1: 4 of 1,614,012 alleles (0.00025%); highest among the groups gnomAD compares: Non-Finnish European, 0.00034%; no homozygotes.

Submissions (2):

Mayo Clinic Laboratories, Mayo Clinic
Classification: Uncertain significance. Last evaluated: 2025-06-01. Review status: criteria provided, single submitter. Criteria: ACMG Guidelines, 2015. Collection method: clinical testing. Allele origin: germline. Observed: 1 variant allele.
Comment: BP4

Labcorp Genetics (formerly Invitae), Labcorp
Classification: Uncertain significance for Carnitine palmitoyltransferase II deficiency. Last evaluated: 2022-07-22. Review status: criteria provided, single submitter. Criteria: Invitae Variant Classification Sherloc (09022015). Collection method: clinical testing. Allele origin: germline.
Comment: This sequence change replaces lysine, which is basic and polar, with arginine, which is basic and polar, at codon 274 of the CPT2 protein (p.Lys274Arg). This variant is present in population databases (rs758064377, gnomAD 0.007%). This variant has not been reported in the literature in individuals affected with CPT2-related conditions. Advanced modeling of protein sequence and biophysical properties (such as structural, functional, and spatial information, amino acid conservation, physicochemical variation, residue mobility, and thermodynamic stability) performed at Invitae indicates that this missense variant is not expected to disrupt CPT2 protein function. Algorithms developed to predict the effect of sequence changes on RNA splicing suggest that this variant may create or strengthen a splice site. In summary, the available evidence is currently insufficient to determine the role of this variant in disease. Therefore, it has been classified as a Variant of Uncertain Significance.